The following is an entry in ClinVar:

NM_001385641.1(SAMD11):c.2054-3C>T

Genes: SAMD11 (sterile alpha motif domain containing 11; plus strand), LOC129929063 (ATAC-STARR-seq lymphoblastoid active region 4; plus strand). Cytogenetic location: 1p36.33.
Variant type: single nucleotide variant.
Coding change: c.2054-3C>T on transcript NM_001385641.1 (MANE Select); 3 bases into the intron before coding-DNA position 2054, C replaced by T.
Molecular consequence: intron variant.
Genome position (GRCh38, 1-based): chr1:943,250, C>T. VCF-style: chr1-943250-C-T. GRCh37 (hg19) VCF-style: chr1-878630-C-T.
Other names: c.2057-3C>T (NM_001385640.1); c.1565-3C>T (NM_152486.4).
Identifiers: ClinVar variation 960978 (VCV000960978.10), dbSNP rs751656603, ClinGen allele CA503120.

ClinVar aggregate classification (germline): Uncertain significance (1 of 4 stars; one submission).

Allele frequency attached by ClinVar (database versions not stated): TOPMed 0.00002; gnomAD 0.00003; ExAC 0.00004; gnomAD exomes 0.00004 and 0.00006.
gnomAD v4.1: 90 of 1,612,758 alleles (0.0056%); highest among the groups gnomAD compares: Non-Finnish European, 0.0061%; no homozygotes.

Submission:

Labcorp Genetics (formerly Invitae), Labcorp
Classification: Uncertain significance. Last evaluated: 2025-12-23. Review status: criteria provided, single submitter. Criteria: Invitae Variant Classification Sherloc (09022015). Collection method: clinical testing. Allele origin: germline.
Comment: This sequence change falls in intron 11 of the SAMD11 gene. It does not directly change the encoded amino acid sequence of the SAMD11 protein. It affects a nucleotide within the consensus splice site. This variant is present in population databases (rs751656603, gnomAD 0.04%). This variant has not been reported in the literature in individuals affected with SAMD11-related conditions. ClinVar contains an entry for this variant (Variation ID: 960978). Variants that disrupt the consensus splice site are a relatively common cause of aberrant splicing (PMID: 17576681, 9536098). Algorithms developed to predict the effect of sequence changes on RNA splicing suggest that this variant is not likely to affect RNA splicing. In summary, the available evidence is currently insufficient to determine the role of this variant in disease. Therefore, it has been classified as a Variant of Uncertain Significance.

Literature cited by the submitters: PubMed 17576681; PubMed 9536098.